The following is an entry in ClinVar:

ClinVar aggregate classification (germline): Uncertain significance (0 of 4 stars; one submission).

Conditions:
MAGEL2-related disorder. Also called: MAGEL2-related condition.

gnomAD v4.1: 6 of 1,613,750 alleles (0.00037%); highest among the groups gnomAD compares: East Asian, 0.0089%; no homozygotes.

Submission:

PreventionGenetics, part of Exact Sciences
Classification: Uncertain significance for MAGEL2-related condition. Last evaluated: 2024-09-10. Review status: no assertion criteria provided. Collection method: clinical testing. Allele origin: germline.
Comment: The MAGEL2 c.3077C>A variant is predicted to result in the amino acid substitution p.Ala1026Glu. To our knowledge, this variant has not been reported in the literature. This variant has been reported in 0.00089% of alleles in individuals of European (Non-Finnish) descent in gnomAD. At this time, the clinical significance of this variant is uncertain due to the absence of conclusive functional and genetic evidence.

NM_019066.5(MAGEL2):c.3077C>A (p.Ala1026Glu)

Gene: MAGEL2 (MAGE family member L2; minus strand). Cytogenetic location: 15q11.2.
Variant type: single nucleotide variant.
Coding change: c.3077C>A on transcript NM_019066.5 (MANE Select); coding-DNA position 3077, C replaced by A.
Protein change: p.Ala1026Glu; replaces alanine 1026 with glutamic acid.
Molecular consequence: missense variant.
Genome position (GRCh38, 1-based): chr15:23,644,666, G>T on the plus strand (C>A on the coding strand, the complement: MAGEL2 is on the minus strand). VCF-style: chr15-23644666-G-T. GRCh37 (hg19) VCF-style: chr15-23889813-G-T.
Other names: short protein forms A1026E.
Identifiers: ClinVar variation 3352417 (VCV003352417.1).